The following is an entry in ClinVar:

NM_001378457.1(DMXL2):c.4187C>T (p.Ser1396Phe)

Gene: DMXL2 (Dmx like 2; minus strand). Cytogenetic location: 15q21.2.
Variant type: single nucleotide variant.
Coding change: c.4187C>T on transcript NM_001378457.1 (MANE Select); coding-DNA position 4187, C replaced by T.
Protein change: p.Ser1396Phe; replaces serine 1396 with phenylalanine.
Molecular consequence: missense variant. On other transcripts: non-coding transcript variant (2), intron variant (2).
Genome position (GRCh38, 1-based): chr15:51,499,037, G>A on the plus strand (C>T on the coding strand, the complement: DMXL2 is on the minus strand). VCF-style: chr15-51499037-G-A. GRCh37 (hg19) VCF-style: chr15-51791234-G-A.
Other names: c.4187C>T, p.Ser1396Phe (NM_001174116.3, NM_001378458.1, NM_001378459.1 and 4 more transcripts); c.3947C>T, p.Ser1316Phe (NM_001378464.1); c.2765-7290C>T (NM_001378460.1); c.2765-3903C>T (NM_001174117.3); short protein forms S1396F, S1316F.
Identifiers: ClinVar variation 709279 (VCV000709279.39), dbSNP rs143033674, ClinGen allele CA7562058.

ClinVar aggregate classification (germline): Likely benign. Review status: criteria provided, multiple submitters, no conflicts (2 of 4 stars). 5 submissions from 5 submitters: Likely benign (4). 1 of the submissions does not count toward it. Last evaluated 2026-08-01.

Conditions:
Inborn genetic diseases. Identifiers: MedGen C0950123, MeSH D030342.
DMXL2-related disorder. Also called: DMXL2-related condition.

Allele frequency attached by ClinVar (database versions not stated): 1000 Genomes Project 30x 0.00078; 1000 Genomes Project 0.00100; TOPMed 0.00148; ESP Exome Variant Server 0.00154; gnomAD 0.00154 and 0.00157; gnomAD exomes 0.00161 and 0.00220; ExAC 0.00171.
gnomAD v4.1: 3,449 of 1,613,904 alleles (0.21%); highest among the groups gnomAD compares: Non-Finnish European, 0.26%; 8 homozygotes.

Submissions (5):

CeGaT Center for Human Genetics Tuebingen
Classification: Likely benign. Last evaluated: 2026-08-01. Review status: criteria provided, single submitter. Criteria: CeGaT Center For Human Genetics Tuebingen Variant Classification Criteria Version 2. Collection method: clinical testing. Allele origin: germline. Affected: yes. Observed: 5 variant alleles.
Comment: DMXL2: BS1:Supporting

Labcorp Genetics (formerly Invitae), Labcorp
Classification: Likely benign. Last evaluated: 2026-01-27. Review status: criteria provided, single submitter. Criteria: Invitae Variant Classification Sherloc (09022015). Collection method: clinical testing. Allele origin: germline.

Blueprint Genetics
Classification: Likely benign. Last evaluated: 2024-11-15. Review status: criteria provided, single submitter. Criteria: ACMG Guidelines, 2015. Collection method: clinical testing. Allele origin: germline.

Ambry Genetics
Classification: Likely benign for Inborn genetic diseases. Last evaluated: 2021-08-02. Review status: criteria provided, single submitter. Criteria: Ambry Variant Classification Scheme 2023. Collection method: clinical testing. Allele origin: germline.

PreventionGenetics, part of Exact Sciences
Classification: Likely benign for DMXL2-related condition. Last evaluated: 2021-03-22. Review status: no assertion criteria provided. Collection method: clinical testing. Allele origin: germline. Not counted in ClinVar's aggregate classification.
Comment: This variant is classified as likely benign based on ACMG/AMP sequence variant interpretation guidelines (Richards et al. 2015 PMID: 25741868, with internal and published modifications).